The following is an entry in ClinVar:

NM_006279.5(ST3GAL3):c.1015G>A (p.Val339Ile)

Gene: ST3GAL3 (ST3 beta-galactoside alpha-2,3-sialyltransferase 3; plus strand). Cytogenetic location: 1p34.1.
Variant type: single nucleotide variant.
Coding change: c.1015G>A on transcript NM_006279.5 (MANE Select); coding-DNA position 1015, G replaced by A.
Protein change: p.Val339Ile; replaces valine 339 with isoleucine.
Molecular consequence: missense variant. On other transcripts: non-coding transcript variant (6), intron variant (11).
Genome position (GRCh38, 1-based): chr1:43,920,905, G>A. VCF-style: chr1-43920905-G-A. GRCh37 (hg19) VCF-style: chr1-44386577-G-A.
Other names: c.925G>A, p.Val309Ile (NM_001270459.2); c.922G>A, p.Val308Ile (NM_001270460.2); c.1060G>A, p.Val354Ile (NM_001350619.2, NM_174964.4); c.1015G>A, p.Val339Ile (NM_001350620.2); c.736G>A, p.Val246Ile (NM_001350621.2); c.1222G>A, p.Val408Ile (NM_174963.5); c.1177G>A, p.Val393Ile (NM_174968.5); c.967G>A, p.Val323Ile (NM_174969.4); and 12 more; short protein forms V339I, V393I, V408I, V323I, V354I, V377I, V246I, V308I.
Identifiers: ClinVar variation 1036233 (VCV001036233.8), dbSNP rs767586606, ClinGen allele CA814862.
Genomic context (GRCh38, chr1:43,920,905, plus strand): 5'-GTCGCAGGATTTGGCTATGACATGAGCACACCCAACGCACCCCTGCACTACTATGAGACC[G>A]TTCGCATGGCAGCCATCAAAGAGGTTCGGGGCTGGGTATGGGGGCAATCCCTGGGTGGGG-3'
Protein context (NP_006270.1, residues 329-349): PNAPLHYYET[Val339Ile]RMAAIKESWT

ClinVar aggregate classification (germline): Uncertain significance. Review status: criteria provided, multiple submitters, no conflicts (2 of 4 stars). 2 submissions from 2 submitters: Uncertain significance (2). Last evaluated 2022-07-11.

Conditions:
Developmental and epileptic encephalopathy. Identifiers: MedGen C5779964, MONDO:0100620.
Inborn genetic diseases. Identifiers: MedGen C0950123, MeSH D030342.

Allele frequency attached by ClinVar (database versions not stated): gnomAD exomes below 0.00001; ExAC 0.00001; gnomAD 0.00001; TOPMed 0.00001.
gnomAD v4.1: 7 of 1,613,484 alleles (0.00043%); highest among the groups gnomAD compares: African/African-American, 0.0027%; no homozygotes.

Submissions (2):

Labcorp Genetics (formerly Invitae), Labcorp
Classification: Uncertain significance for Early-infantile DEE. Last evaluated: 2022-07-11. Review status: criteria provided, single submitter. Criteria: Invitae Variant Classification Sherloc (09022015). Collection method: clinical testing. Allele origin: germline.
Comment: This sequence change replaces valine, which is neutral and non-polar, with isoleucine, which is neutral and non-polar, at codon 339 of the ST3GAL3 protein (p.Val339Ile). This variant is present in population databases (rs767586606, gnomAD 0.003%). This variant has not been reported in the literature in individuals affected with ST3GAL3-related conditions. ClinVar contains an entry for this variant (Variation ID: 1036233). Algorithms developed to predict the effect of missense changes on protein structure and function (SIFT, PolyPhen-2, Align-GVGD) all suggest that this variant is likely to be tolerated. In summary, the available evidence is currently insufficient to determine the role of this variant in disease. Therefore, it has been classified as a Variant of Uncertain Significance.

Ambry Genetics
Classification: Uncertain significance for Inborn genetic diseases. Last evaluated: 2020-01-17. Review status: criteria provided, single submitter. Criteria: Ambry Variant Classification Scheme 2023. Collection method: clinical testing. Allele origin: germline.
Comment: The p.V339I variant (also known as c.1015G>A), located in coding exon 10 of the ST3GAL3 gene, results from a G to A substitution at nucleotide position 1015. The valine at codon 339 is replaced by isoleucine, an amino acid with highly similar properties. This amino acid position is not well conserved in available vertebrate species, and isoleucine is the reference amino acid in other vertebrate species. In addition, this alteration is predicted to be tolerated by in silico analysis. Since supporting evidence is limited at this time, the clinical significance of this alteration remains unclear.